The following is an entry in ClinVar:

ClinVar aggregate classification (germline): Uncertain significance. Review status: criteria provided, multiple submitters, no conflicts (2 of 4 stars). 6 submissions from 6 submitters: Uncertain significance (6). Last evaluated 2026-08-04.

Conditions:
RYR2-related disorder. Also called: RYR2-related condition.
Cardiovascular phenotype. Identifiers: MedGen CN230736.
Catecholaminergic polymorphic ventricular tachycardia (CVPT). Also called: Catecholamine-induced polymorphic ventricular tachycardia. Identifiers: Orphanet 3286, MedGen C5574922, MONDO:0017990.
Catecholaminergic polymorphic ventricular tachycardia 1. Also called: VENTRICULAR TACHYCARDIA, STRESS-INDUCED POLYMORPHIC 1; RYR2-Related Catecholaminergic Polymorphic Ventricular Tachycardia; VENTRICULAR TACHYCARDIA, CATECHOLAMINERGIC POLYMORPHIC, 1, WITH OR WITHOUT ATRIAL DYSFUNCTION AND/OR DILATED CARDIOMYOPATHY. Identifiers: Orphanet 3286, MedGen C1631597, MONDO:0011484, OMIM 604772.
Cardiomyopathy (CMYO). Also called: Cardiomyopathies. Identifiers: Orphanet 167848, MedGen C0878544, MONDO:0004994, HP:0001638. Inheritance: Various modes of inheritance.

Allele frequency attached by ClinVar (database versions not stated): gnomAD 0.00001; gnomAD exomes 0.00001; TOPMed 0.00001.
gnomAD v4.1: 11 of 1,572,822 alleles (0.0007%); highest among the groups gnomAD compares: Non-Finnish European, 0.00095%; no homozygotes.

Submissions (6):

PreventionGenetics, part of Exact Sciences
Classification: Uncertain significance for RYR2-related condition. Last evaluated: 2026-08-04. Review status: criteria provided, single submitter. Criteria: ACMG Guidelines, 2015. Collection method: clinical testing. Allele origin: germline.
Comment: The RYR2 c.2747C>T variant is predicted to result in the amino acid substitution p.Pro916Leu. To our knowledge, this variant has not been reported in the literature or in a large population database (gnomAD), indicating this variant is rare. At this time, the clinical significance of this variant is uncertain due to the absence of conclusive functional and genetic evidence.

Ambry Genetics
Classification: Uncertain significance for Cardiovascular phenotype. Last evaluated: 2026-04-14. Review status: criteria provided, single submitter. Criteria: Ambry Variant Classification Scheme 2023. Collection method: clinical testing. Allele origin: germline.
Comment: The p.P916L variant (also known as c.2747C>T), located in coding exon 24 of the RYR2 gene, results from a C to T substitution at nucleotide position 2747. The proline at codon 916 is replaced by leucine, an amino acid with similar properties. This amino acid position is highly conserved in available vertebrate species. In addition, the in silico prediction for this alteration is inconclusive. Based on the available evidence, the clinical significance of this variant remains unclear.

Labcorp Genetics (formerly Invitae), Labcorp
Classification: Uncertain significance for Catecholaminergic polymorphic ventricular tachycardia 1. Last evaluated: 2024-09-19. Review status: criteria provided, single submitter. Criteria: Invitae Variant Classification Sherloc (09022015). Collection method: clinical testing. Allele origin: germline.
Comment: This sequence change replaces proline, which is neutral and non-polar, with leucine, which is neutral and non-polar, at codon 916 of the RYR2 protein (p.Pro916Leu). This variant is not present in population databases (gnomAD no frequency). This variant has not been reported in the literature in individuals affected with RYR2-related conditions. Invitae Evidence Modeling of protein sequence and biophysical properties (such as structural, functional, and spatial information, amino acid conservation, physicochemical variation, residue mobility, and thermodynamic stability) has been performed for this missense variant. However, the output from this modeling did not meet the statistical confidence thresholds required to predict the impact of this variant on RYR2 protein function. In summary, the available evidence is currently insufficient to determine the role of this variant in disease. Therefore, it has been classified as a Variant of Uncertain Significance.

Color Diagnostics, LLC DBA Color Health
Classification: Uncertain significance for Cardiomyopathy. Last evaluated: 2024-03-07. Review status: criteria provided, single submitter. Criteria: ACMG Guidelines, 2015. Collection method: clinical testing. Allele origin: germline.
Comment: This missense variant replaces proline with leucine at codon 916 of the RYR2 protein. Computational prediction is inconclusive regarding the impact of this variant on protein structure and function. To our knowledge, functional studies have not been reported for this variant. This variant has not been reported in individuals affected with RYR2-related disorders in the literature. This variant has not been identified in the general population by the Genome Aggregation Database (gnomAD). The available evidence is insufficient to determine the role of this variant in disease conclusively. Therefore, this variant is classified as a Variant of Uncertain Significance.

Victorian Clinical Genetics Services, Murdoch Childrens Research Institute
Classification: Uncertain significance for Catecholaminergic polymorphic ventricular tachycardia 1. Last evaluated: 2023-12-21. Review status: criteria provided, single submitter. Criteria: ACMG Guidelines, 2015. Collection method: clinical testing. Allele origin: germline. Inheritance: Autosomal dominant inheritance. Affected: yes.
Comment: Based on the classification scheme VCGS_Germline_v1.3.4, this variant is classified as VUS-3A. Following criteria are met: 0103 - Dominant negative and gain of function are known mechanisms of disease in this gene and are associated with catecholaminergic polymorphic ventricular tachycardia 1 (MIM#604772) and left ventricular non-compaction (PMIDs: 12459180, 27646203, 29477366, 31875585, 33500567). Loss of function has been reported for ventricular arrhythmias due to cardiac ryanodine receptor calcium release deficiency syndrome (MIM#115000), however dominant negative mechanism has not been excluded (PMID: 33536282). (I) 0107 - This gene is associated with autosomal dominant disease. (I) 0112 - The condition associated with this gene has incomplete penetrance. Penetrance for CPVT is estimated to be 60-70% (PMID: 23549275). (I) 0200 - Variant is predicted to result in a missense amino acid change from proline to leucine. (I) 0251 - This variant is heterozygous. (I) 0302 - Variant is present in gnomAD (v3) <0.001 for a dominant condition (1 heterozygote, 0 homozygotes). (SP) 0309 - An alternative amino acid change at the same position has been observed in gnomAD (v3) (1 heterozygote, 0 homozygotes). (I) 0502 - Missense variant with conflicting in silico predictions and high conservation. (I) 0600 - Variant is located in the annotated RyR family domain (DECIPHER). (I) 0705 - No comparable missense variants have previous evidence for pathogenicity. (I) 0807 - This variant has no previous evidence of pathogenicity. (I) 0905 - No published segregation evidence has been identified for this variant. (I) 1007 - No published functional evidence has been identified for this variant. (I) Legend: (SP) - Supporting pathogenic, (I) - Information, (SB) - Supporting benign

All of Us Research Program, National Institutes of Health
Classification: Uncertain significance for Catecholaminergic polymorphic ventricular tachycardia. Last evaluated: 2023-08-08. Review status: criteria provided, single submitter. Criteria: ACMG Guidelines, 2015. Collection method: clinical testing. Allele origin: germline. Inheritance: Autosomal dominant inheritance. Observed: 2 variant alleles, 2 heterozygotes.
Comment: This missense variant replaces proline with leucine at codon 916 of the RYR2 protein. Computational prediction is inconclusive regarding the impact of this variant on protein structure and function (internally defined REVEL score threshold 0.5 < inconclusive < 0.7, PMID: 27666373). To our knowledge, functional studies have not been reported for this variant. This variant has not been reported in individuals affected with RYR2-related disorders in the literature. This variant has not been identified in the general population by the Genome Aggregation Database (gnomAD). The available evidence is insufficient to determine the role of this variant in disease conclusively. Therefore, this variant is classified as a Variant of Uncertain Significance.

This study involves interpretation of variants in research participants for the purpose of population health screening. Participant phenotype was not available at the time of variant classification. Additional details can be found in publication PMID: 35346344, PMCID: PMC8962531

Literature cited by the submitters: PubMed 12459180 (cited by Victorian Clinical Genetics Services, Murdoch Childrens Research Institute); PubMed 23549275 (cited by Victorian Clinical Genetics Services, Murdoch Childrens Research Institute); PubMed 27646203 (cited by Victorian Clinical Genetics Services, Murdoch Childrens Research Institute); PubMed 29477366 (cited by Victorian Clinical Genetics Services, Murdoch Childrens Research Institute); PubMed 31875585 (cited by Victorian Clinical Genetics Services, Murdoch Childrens Research Institute); PubMed 33500567 (cited by Victorian Clinical Genetics Services, Murdoch Childrens Research Institute); PubMed 33536282 (cited by Victorian Clinical Genetics Services, Murdoch Childrens Research Institute).

NM_001035.3(RYR2):c.2747C>T (p.Pro916Leu)

Gene: RYR2 (ryanodine receptor 2; plus strand). Cytogenetic location: 1q43.
Variant type: single nucleotide variant.
Coding change: c.2747C>T on transcript NM_001035.3 (MANE Select); coding-DNA position 2747, C replaced by T.
Protein change: p.Pro916Leu; replaces proline 916 with leucine.
Molecular consequence: missense variant.
Genome position (GRCh38, 1-based): chr1:237,511,716, C>T. VCF-style: chr1-237511716-C-T. GRCh37 (hg19) VCF-style: chr1-237675016-C-T.
Other names: c.2747C>T (NM_001035.2); short protein forms P916L.
Identifiers: ClinVar variation 2978426 (VCV002978426.7), dbSNP rs758947113, ClinGen allele CA39784386.